The following is an entry in ClinVar:

ClinVar aggregate classification (germline): Uncertain significance. Review status: criteria provided, multiple submitters, no conflicts (2 of 4 stars). 3 submissions from 3 submitters: Uncertain significance (3). Last evaluated 2025-11-27.

Conditions:
Autosomal dominant nonsyndromic hearing loss 1. Also called: KONIGSMARK SYNDROME; DEAFNESS, AUTOSOMAL DOMINANT 1, WITH OR WITHOUT THROMBOCYTOPENIA. Identifiers: Orphanet 90635, MedGen C1852282, MONDO:0007424, OMIM 124900.
Progressive microcephaly-seizures-cortical blindness-developmental delay syndrome. Also called: Seizures, cortical blindness, and microcephaly syndrome. Identifiers: Orphanet 477814, MedGen C5567650, MONDO:0014714, OMIM 616632.
Inborn genetic diseases. Identifiers: MedGen C0950123, MeSH D030342.
DIAPH1-related disorder. Also called: DIAPH1-related condition.

Allele frequency attached by ClinVar (database versions not stated): gnomAD exomes below 0.00001; TOPMed below 0.00001; gnomAD 0.00001.

Submissions (3):

Labcorp Genetics (formerly Invitae), Labcorp
Classification: Uncertain significance for Progressive microcephaly-seizures-cortical blindness-developmental delay syndrome; Autosomal dominant nonsyndromic hearing loss 1. Last evaluated: 2025-11-27. Review status: criteria provided, single submitter. Criteria: Invitae Variant Classification Sherloc (09022015). Collection method: clinical testing. Allele origin: germline.
Comment: This sequence change replaces alanine, which is neutral and non-polar, with valine, which is neutral and non-polar, at codon 711 of the DIAPH1 protein (p.Ala711Val). The frequency data for this variant in the population databases is considered unreliable, as metrics indicate poor data quality at this position in the gnomAD database. This variant has not been reported in the literature in individuals affected with DIAPH1-related conditions. ClinVar contains an entry for this variant (Variation ID: 2172797). An algorithm developed to predict the effect of missense changes on protein structure and function outputs the following: PolyPhen-2: "Not Available". The valine amino acid residue is found in multiple mammalian species, which suggests that this missense change does not adversely affect protein function. In summary, the available evidence is currently insufficient to determine the role of this variant in disease. Therefore, it has been classified as a Variant of Uncertain Significance.

Ambry Genetics
Classification: Uncertain significance for Inborn genetic diseases. Last evaluated: 2025-08-07. Review status: criteria provided, single submitter. Criteria: Ambry Variant Classification Scheme 2023. Collection method: clinical testing. Allele origin: germline.

PreventionGenetics, part of Exact Sciences
Classification: Uncertain significance for DIAPH1-related condition. Last evaluated: 2025-06-08. Review status: criteria provided, single submitter. Criteria: ACMG Guidelines, 2015. Collection method: clinical testing. Allele origin: germline.
Comment: The DIAPH1 c.2132C>T variant is predicted to result in the amino acid substitution p.Ala711Val. To our knowledge, this variant has not been reported in the literature. This variant is reported in 0.0072% of alleles in individuals of African descent in gnomAD. At this time, the clinical significance of this variant is uncertain due to the absence of conclusive functional and genetic evidence.

NM_005219.5(DIAPH1):c.2132C>T (p.Ala711Val)

Gene: DIAPH1 (diaphanous related formin 1; minus strand). Cytogenetic location: 5q31.3.
Variant type: single nucleotide variant.
Coding change: c.2132C>T on transcript NM_005219.5 (MANE Select); coding-DNA position 2132, C replaced by T.
Protein change: p.Ala711Val; replaces alanine 711 with valine.
Molecular consequence: missense variant.
Genome position (GRCh38, 1-based): chr5:141,573,718, G>A on the plus strand (C>T on the coding strand, the complement: DIAPH1 is on the minus strand). VCF-style: chr5-141573718-G-A. GRCh37 (hg19) VCF-style: chr5-140953285-G-A.
Other names: c.2105C>T, p.Ala702Val (NM_001079812.3); c.2132C>T, p.Ala711Val (NM_001314007.2); c.2132C>T (NM_005219.4); short protein forms A702V, A711V.
Identifiers: ClinVar variation 2172797 (VCV002172797.6), dbSNP rs986771635, ClinGen allele CA128437047.